The following is an entry in ClinVar:

NM_000540.3(RYR1):c.13744A>G (p.Lys4582Glu)

Gene: RYR1 (ryanodine receptor 1; plus strand). Cytogenetic location: 19q13.2.
Variant type: single nucleotide variant.
Coding change: c.13744A>G on transcript NM_000540.3 (MANE Select); coding-DNA position 13744, A replaced by G.
Protein change: p.Lys4582Glu; replaces lysine 4582 with glutamic acid.
Molecular consequence: missense variant.
Genome position (GRCh38, 1-based): chr19:38,570,691, A>G. VCF-style: chr19-38570691-A-G. GRCh37 (hg19) VCF-style: chr19-39061331-A-G.
Other names: c.13729A>G, p.Lys4577Glu (NM_001042723.2); short protein forms K4582E, K4577E.
Identifiers: ClinVar variation 1955571 (VCV001955571.8), dbSNP rs2514707306, ClinGen allele CA405679041.

ClinVar aggregate classification (germline): Uncertain significance. Review status: criteria provided, multiple submitters, no conflicts (2 of 4 stars). 2 submissions from 2 submitters: Uncertain significance (2). Last evaluated 2025-06-06.

Conditions:
RYR1-related disorder. Also called: RYR1-related condition; RYR1-related disorders. Identifiers: MedGen CN239331.

Submissions (2):

Revvity Omics, Revvity
Classification: Uncertain significance. Last evaluated: 2025-06-06. Review status: criteria provided, single submitter. Criteria: ACMG Guidelines, 2015. Collection method: clinical testing. Allele origin: germline.

Labcorp Genetics (formerly Invitae), Labcorp
Classification: Uncertain significance for RYR1-related disorder. Last evaluated: 2022-08-30. Review status: criteria provided, single submitter. Criteria: Invitae Variant Classification Sherloc (09022015). Collection method: clinical testing. Allele origin: germline.
Comment: In summary, the available evidence is currently insufficient to determine the role of this variant in disease. Therefore, it has been classified as a Variant of Uncertain Significance. Advanced modeling of protein sequence and biophysical properties (such as structural, functional, and spatial information, amino acid conservation, physicochemical variation, residue mobility, and thermodynamic stability) performed at Invitae indicates that this missense variant is expected to disrupt RYR1 protein function. This variant has not been reported in the literature in individuals affected with RYR1-related conditions. This variant is not present in population databases (gnomAD no frequency). This sequence change replaces lysine, which is basic and polar, with glutamic acid, which is acidic and polar, at codon 4582 of the RYR1 protein (p.Lys4582Glu).